The following is an entry in ClinVar:

ClinVar aggregate classification (germline): Uncertain significance (1 of 4 stars; one submission).

Conditions:
Hereditary nonpolyposis colorectal neoplasms. Identifiers: MedGen C0009405, MeSH D003123.

Submission:

Labcorp Genetics (formerly Invitae), Labcorp
Classification: Uncertain significance for Hereditary nonpolyposis colorectal neoplasms. Last evaluated: 2020-02-29. Review status: criteria provided, single submitter. Criteria: Invitae Variant Classification Sherloc (09022015). Collection method: clinical testing. Allele origin: germline.
Comment: This variant is not present in population databases (ExAC no frequency). This sequence change falls in intron 9 of the MSH6 gene. It does not directly change the encoded amino acid sequence of the MSH6 protein, but it affects a nucleotide within the consensus splice site of the intron. This variant has not been reported in the literature in individuals with MSH6-related conditions. Nucleotide substitutions within the consensus splice site are a relatively common cause of aberrant splicing (PMID: 17576681, 9536098). Algorithms developed to predict the effect of sequence changes on RNA splicing suggest that this variant is not likely to affect RNA splicing, but this prediction has not been confirmed by published transcriptional studies. In summary, the available evidence is currently insufficient to determine the role of this variant in disease. Therefore, it has been classified as a Variant of Uncertain Significance.

Literature cited by the submitters: PubMed 17576681; PubMed 9536098.

NM_000179.3(MSH6):c.4001+6T>C

Gene: MSH6 (mutS homolog 6; plus strand). Cytogenetic location: 2p16.3.
Variant type: single nucleotide variant.
Coding change: c.4001+6T>C on transcript NM_000179.3 (MANE Select); 6 bases into the intron after coding-DNA position 4001, T replaced by C.
Molecular consequence: intron variant.
Genome position (GRCh38, 1-based): chr2:47,806,657, T>C. VCF-style: chr2-47806657-T-C. GRCh37 (hg19) VCF-style: chr2-48033796-T-C.
Other names: c.3095+6T>C (NM_001281493.2, NM_001281494.2); c.3611+6T>C (NM_001281492.2).
Identifiers: ClinVar variation 942216 (VCV000942216.10), dbSNP rs1670157898, ClinGen allele CA1139656988.